The following is an entry in ClinVar:

NM_138615.3(DHX30):c.2770-7C>A

Gene: DHX30 (DExH-box helicase 30; plus strand). Cytogenetic location: 3p21.31.
Variant type: single nucleotide variant.
Coding change: c.2770-7C>A on transcript NM_138615.3 (MANE Select); 7 bases into the intron before coding-DNA position 2770, C replaced by A.
Molecular consequence: intron variant.
Genome position (GRCh38, 1-based): chr3:47,848,913, C>A. VCF-style: chr3-47848913-C-A. GRCh37 (hg19) VCF-style: chr3-47890403-C-A.
Other names: NC_000003.11:g.47890403C>A; c.2686-7C>A (NM_001330990.2); c.2653-7C>A (NM_014966.4).
Identifiers: ClinVar variation 3777894 (VCV003777894.8).

ClinVar aggregate classification (germline): Likely benign (1 of 4 stars; one submission).

gnomAD v4.1: 69 of 1,599,828 alleles (0.0043%); highest among the groups gnomAD compares: Middle Eastern, 0.067%; no homozygotes.

Submissions (2):

CeGaT Center for Human Genetics Tuebingen
Classification: Likely benign. Last evaluated: 2025-03-01. Review status: criteria provided, single submitter. Criteria: CeGaT Center For Human Genetics Tuebingen Variant Classification Criteria Version 2. Collection method: clinical testing. Allele origin: germline. Affected: yes. Observed: 1 variant allele.
Comment: DHX30: BP4

Dr. Peter K. Rogan Lab, Western University
No classification provided (evidence only). Condition: Cervical cancer. Review status: no classification provided. Collection method: in vitro. Allele origin: not applicable. Functional consequence: retained intron. Not counted in ClinVar's aggregate classification.